The following is an entry in ClinVar:

ClinVar aggregate classification (germline): Likely benign (1 of 4 stars; one submission).

Conditions:
TIAM1-related disorder. Also called: TIAM1-related condition.

gnomAD v4.1: 126 of 1,614,210 alleles (0.0078%); highest among the groups gnomAD compares: South Asian, 0.13%; no homozygotes.

Submission:

PreventionGenetics, part of Exact Sciences
Classification: Likely benign for TIAM1-related condition. Last evaluated: 2026-07-01. Review status: criteria provided, single submitter. Criteria: ACMG Guidelines, 2015. Collection method: clinical testing. Allele origin: germline.
Comment: This variant is classified as likely benign based on ACMG/AMP sequence variant interpretation guidelines (Richards et al. 2015 PMID: 25741868, with internal and published modifications).

NM_001353694.2(TIAM1):c.4675C>T (p.Leu1559=)

Gene: TIAM1 (TIAM Rac1 associated GEF 1; minus strand). Cytogenetic location: 21q22.11.
Variant type: single nucleotide variant.
Coding change: c.4675C>T on transcript NM_001353694.2 (MANE Select); coding-DNA position 4675, C replaced by T.
Protein change: p.Leu1559=; no amino-acid change (leucine 1559 retained).
Molecular consequence: synonymous variant.
Genome position (GRCh38, 1-based): chr21:31,120,469, G>A on the plus strand (C>T on the coding strand, the complement: TIAM1 is on the minus strand). VCF-style: chr21-31120469-G-A. GRCh37 (hg19) VCF-style: chr21-32492787-G-A.
Other names: c.1774C>T, p.Leu592= (NM_001353684.2); c.1699C>T, p.Leu567= (NM_001353685.2); c.4600C>T, p.Leu1534= (NM_001353686.2, NM_001353687.2); c.4675C>T, p.Leu1559= (NM_001353688.1, NM_001353689.1, NM_001353690.1 and 4 more transcripts).
Identifiers: ClinVar variation 4981771 (VCV004981771.1).